The following is an entry in ClinVar:

ClinVar aggregate classification (germline): Uncertain significance. Review status: criteria provided, multiple submitters, no conflicts (2 of 4 stars). 2 submissions from 2 submitters: Uncertain significance (2). Last evaluated 2025-09-16.

Conditions:
PIEZO1-related disorder. Also called: PIEZO1-Related Disorders; PIEZO1-related condition.

Allele frequency attached by ClinVar (database versions not stated): gnomAD 0.00001; TOPMed 0.00001.
gnomAD v4.1: 1 of 1,549,932 alleles (0.000065%); highest among the groups gnomAD compares: African/African-American, 0.0014%; no homozygotes.

Submissions (2):

PreventionGenetics, part of Exact Sciences
Classification: Uncertain significance for PIEZO1-related condition. Last evaluated: 2025-09-16. Review status: criteria provided, single submitter. Criteria: ACMG Guidelines, 2015. Collection method: clinical testing. Allele origin: germline.
Comment: The PIEZO1 c.7283G>C variant is predicted to result in the amino acid substitution p.Ser2428Thr. To our knowledge, this variant has not been reported in the literature or in a large population database (gnomAD), indicating this variant is rare. At this time, the clinical significance of this variant is uncertain due to the absence of conclusive functional and genetic evidence.

Revvity Omics, Revvity
Classification: Uncertain significance. Last evaluated: 2020-10-22. Review status: criteria provided, single submitter. Criteria: ACMG Guidelines, 2015. Collection method: clinical testing. Allele origin: germline.

NM_001142864.4(PIEZO1):c.7283G>C (p.Ser2428Thr)

Gene: PIEZO1 (piezo type mechanosensitive ion channel component 1 (Er blood group); minus strand). Cytogenetic location: 16q24.3.
Variant type: single nucleotide variant.
Coding change: c.7283G>C on transcript NM_001142864.4 (MANE Select); coding-DNA position 7283, G replaced by C.
Protein change: p.Ser2428Thr; replaces serine 2428 with threonine.
Molecular consequence: missense variant.
Genome position (GRCh38, 1-based): chr16:88,715,966, C>G on the plus strand (G>C on the coding strand, the complement: PIEZO1 is on the minus strand). VCF-style: chr16-88715966-C-G. GRCh37 (hg19) VCF-style: chr16-88782374-C-G.
Other names: c.7283G>C (NM_001142864.3); c.5825G>C, p.Ser1942Thr (NM_014745.1); short protein forms S1942T, S2428T.
Identifiers: ClinVar variation 2434707 (VCV002434707.4), dbSNP rs1911989551, ClinGen allele CA397072017.